The following is an entry in ClinVar:

ClinVar aggregate classification (germline): Uncertain significance (1 of 4 stars; one submission).

Conditions:
Cardiovascular phenotype. Identifiers: MedGen CN230736.

Submission:

Ambry Genetics
Classification: Uncertain significance for Cardiovascular phenotype. Last evaluated: 2019-12-23. Review status: criteria provided, single submitter. Criteria: Ambry Variant Classification Scheme 2023. Collection method: clinical testing. Allele origin: germline.
Comment: The p.E1561D variant (also known as c.4683A>C), located in coding exon 26 of the TTN gene, results from an A to C substitution at nucleotide position 4683. The glutamic acid at codon 1561 is replaced by aspartic acid, an amino acid with highly similar properties. This amino acid position is not well conserved in available vertebrate species. In addition, this alteration is predicted to be tolerated by in silico analysis. Since supporting evidence is limited at this time, the clinical significance of this alteration remains unclear.

NM_001267550.2(TTN):c.4821A>C (p.Glu1607Asp)

Genes: TTN (titin; minus strand), LOC101927055 (uncharacterized LOC101927055; plus strand). Cytogenetic location: 2q31.2.
Variant type: single nucleotide variant.
Coding change: c.4821A>C on transcript NM_001267550.2 (MANE Select); coding-DNA position 4821, A replaced by C.
Protein change: p.Glu1607Asp; replaces glutamic acid 1607 with aspartic acid.
Molecular consequence: missense variant. On other transcripts: non-coding transcript variant (1).
Genome position (GRCh38, 1-based): chr2:178,777,043, T>G on the plus strand (A>C on the coding strand, the complement: TTN is on the minus strand). VCF-style: chr2-178777043-T-G. GRCh37 (hg19) VCF-style: chr2-179641770-T-G.
Other names: c.4821A>C, p.Glu1607Asp (NM_001256850.1, NM_133378.4, NM_133379.5); c.4683A>C, p.Glu1561Asp (NM_003319.4, NM_133432.3, NM_133437.4); short protein forms E1561D, E1607D.
Identifiers: ClinVar variation 1742401 (VCV001742401.2), dbSNP rs2532912548, ClinGen allele CA349460537.